The following is an entry in ClinVar:

ClinVar aggregate classification (germline): Conflicting classifications of pathogenicity. Review status: criteria provided, conflicting classifications (1 of 4 stars). 8 submissions from 6 submitters: Uncertain significance (2); Likely benign (6). Last evaluated 2026-06-01.

Conditions:
Usher syndrome type 1 (USH1). Also called: RETINITIS PIGMENTOSA AND CONGENITAL DEAFNESS. Identifiers: Orphanet 231169, Orphanet 886, MedGen C1568247, MONDO:0010168, OMIM 276900.
Autosomal dominant nonsyndromic hearing loss 11. Identifiers: Orphanet 90635, MedGen C1832475, MONDO:0011032, OMIM 601317.
Autosomal recessive nonsyndromic hearing loss 2. Also called: NEUROSENSORY NONSYNDROMIC RECESSIVE DEAFNESS 2; DEAFNESS, AUTOSOMAL RECESSIVE 2. Identifiers: Orphanet 90636, MedGen C1838701, MONDO:0010807, OMIM 600060.

Allele frequency attached by ClinVar (database versions not stated): TOPMed 0.00072; ESP Exome Variant Server 0.00105.
gnomAD v4.1: 1,679 of 1,609,654 alleles (0.1%); highest among the groups gnomAD compares: Non-Finnish European, 0.13%; 1 homozygote.

Submissions (8):

CeGaT Center for Human Genetics Tuebingen
Classification: Likely benign. Last evaluated: 2026-06-01. Review status: criteria provided, single submitter. Criteria: CeGaT Center For Human Genetics Tuebingen Variant Classification Criteria Version 2. Collection method: clinical testing. Allele origin: germline. Affected: yes. Observed: 2 variant alleles.
Comment: MYO7A: BP4

Labcorp Genetics (formerly Invitae), Labcorp
Classification: Likely benign. Last evaluated: 2026-01-09. Review status: criteria provided, single submitter. Criteria: Invitae Variant Classification Sherloc (09022015). Collection method: clinical testing. Allele origin: germline.

Blueprint Genetics
Classification: Likely benign. Last evaluated: 2024-11-25. Review status: criteria provided, single submitter. Criteria: ACMG Guidelines, 2015. Collection method: clinical testing. Allele origin: germline.

GeneDx
Classification: Likely benign. Last evaluated: 2021-02-22. Review status: criteria provided, single submitter. Criteria: GeneDx Variant Classification Process June 2021. Collection method: clinical testing. Allele origin: germline. Affected: yes.

Illumina Laboratory Services, Illumina
Classification: Uncertain significance for Autosomal recessive nonsyndromic hearing loss 2. Last evaluated: 2018-01-13. Review status: criteria provided, single submitter. Criteria: ICSL Variant Classification Criteria 13 December 2019. Collection method: clinical testing. Allele origin: germline.

Illumina Laboratory Services, Illumina
Classification: Likely benign for Autosomal dominant nonsyndromic hearing loss 11. Last evaluated: 2018-01-13. Review status: criteria provided, single submitter. Criteria: ICSL Variant Classification Criteria 13 December 2019. Collection method: clinical testing. Allele origin: germline.
Comment: This variant was observed in the ICSL laboratory as part of a predisposition screen in an ostensibly healthy population. It had not been previously curated by ICSL or reported in the Human Gene Mutation Database (HGMD: prior to June 1st, 2018), and was therefore a candidate for classification through an automated scoring system. Utilizing variant allele frequency, disease prevalence and penetrance estimates, and inheritance mode, an automated score was calculated to assess if this variant is too frequent to cause the disease. Based on the score and internal cut-off values, a variant classified as likely benign is not then subjected to further curation. The score for this variant resulted in a classification of likely benign for this disease.

Illumina Laboratory Services, Illumina
Classification: Uncertain significance for Usher syndrome type 1. Last evaluated: 2018-01-13. Review status: criteria provided, single submitter. Criteria: ICSL Variant Classification Criteria 13 December 2019. Collection method: clinical testing. Allele origin: germline.

Laboratory for Molecular Medicine, Mass General Brigham Personalized Medicine
Classification: Likely benign. Last evaluated: 2014-08-19. Review status: criteria provided, single submitter. Criteria: LMM Criteria. Collection method: clinical testing. Allele origin: germline. Observed: 1 variant allele.
Comment: 4153-8C>T in intron 31 of MYO7A: This variant is not expected to have clinical s ignificance because a C>T change at this position does not diverge from the spli ce consensus sequence and is therefore unlikely to impact splicing. It has been identified in 0.12% (10/8348) of European American chromosomes and 0.074% (3/403 6) of African American chromosomes by the NHLBI Exome Sequencing Project (dbSNP rs143216377).

NM_000260.4(MYO7A):c.4153-8C>T

Gene: MYO7A (myosin VIIA; plus strand). Cytogenetic location: 11q13.5.
Variant type: single nucleotide variant.
Coding change: c.4153-8C>T on transcript NM_000260.4 (MANE Select); 8 bases into the intron before coding-DNA position 4153, C replaced by T.
Molecular consequence: intron variant.
Genome position (GRCh38, 1-based): chr11:77,194,346, C>T. VCF-style: chr11-77194346-C-T. GRCh37 (hg19) VCF-style: chr11-76905391-C-T.
Other names: c.4120-8C>T (NM_001369365.1); c.4153-8C>T (NM_001127180.2).
Identifiers: ClinVar variation 178485 (VCV000178485.28), dbSNP rs143216377, ClinGen allele CA182419.